The following is an entry in ClinVar:

NM_000088.4(COL1A1):c.2444G>C (p.Gly815Ala)

Gene: COL1A1 (collagen type I alpha 1 chain; minus strand). Cytogenetic location: 17q21.33.
Variant type: single nucleotide variant.
Coding change: c.2444G>C on transcript NM_000088.4 (MANE Select); coding-DNA position 2444, G replaced by C.
Protein change: p.Gly815Ala; replaces glycine 815 with alanine.
Molecular consequence: missense variant.
Genome position (GRCh38, 1-based): chr17:50,190,334, C>G on the plus strand (G>C on the coding strand, the complement: COL1A1 is on the minus strand). VCF-style: chr17-50190334-C-G. GRCh37 (hg19) VCF-style: chr17-48267695-C-G.
Other names: c.2444G>C (NM_000088.3); short protein forms G815A.
Identifiers: ClinVar variation 1400106 (VCV001400106.8), dbSNP rs66929517, ClinGen allele CA291543364.
Genomic context (GRCh38, chr17:50,190,334, plus strand): 5'-GAGGTCCCAGGTCCCAGTCGGTGATGAAAAATGATGGGGGTCTTGGTACTCACAGGGGGG[C>G]CAGCAAAGCCAGCAGGGCCGGGGGGACCAGGCTCACCACGGTCTCCCTAGAAGAAAAGGA-3'
Protein context (NP_000079.2, residues 805-825): PGPPGPAGFA[Gly815Ala]PPGADGQPGA

ClinVar aggregate classification (germline): Pathogenic/Likely pathogenic. Review status: criteria provided, multiple submitters, no conflicts (2 of 4 stars). 3 submissions from 3 submitters: Pathogenic (2); Likely pathogenic (1). Last evaluated 2023-06-20.

Conditions:
Osteogenesis imperfecta type I (OI1). Also called: OI, TYPE I; OSTEOGENESIS IMPERFECTA TARDA; OSTEOGENESIS IMPERFECTA WITH BLUE SCLERAE; Osteogenesis imperfecta type 1; Lobstein's Disease; Lobstein disease. Identifiers: Orphanet 216796, Orphanet 666, MedGen C0023931, MONDO:0008146, OMIM 166200. Disease mechanism: loss of function.
COL1A1-related disorder. Also called: COL1A1-related condition; COL1A1- related disease.

Submissions (3):

Blueprint Genetics
Classification: Likely pathogenic for COL1A1-related disorders. Last evaluated: 2023-06-20. Review status: criteria provided, single submitter. Criteria: ACMG Guidelines, 2015. Collection method: clinical testing. Allele origin: germline. Affected: yes. Observed: 2 variant alleles.

PreventionGenetics, part of Exact Sciences
Classification: Pathogenic for COL1A1-related condition. Last evaluated: 2023-05-17. Review status: criteria provided, single submitter. Criteria: ACMG Guidelines, 2015. Collection method: clinical testing. Allele origin: germline.
Comment: The COL1A1 c.2444G>C variant is predicted to result in the amino acid substitution p.Gly815Ala. This variant was reported in several individuals with osteogenesis imperfecta (Table S1, Marini et al 2007. PubMed ID: 17078022; Table 1, Zhang et al 2021. PubMed ID: 33942288). Different variants affecting the same amino acid (Gly815Ser; Gly815Val) were reported as pathogenic (Table S1, Marini et al 2007. PubMed ID: 17078022; Table 2, Ju. 2020. PubMed ID: 31414283; reported as Gly637Val, Tsuneyoshi and Constantinou. 1991. PubMed ID: 1874719). The p.Gly815 amino acid is located in the conserved Gly-Xaa-Yaa triple helical domain where substitutions of a glycine are usually pathogenic (Marini et al. 2007. PubMed ID: 17078022). This variant has not been reported in a large population database, indicating this variant is rare. This variant is interpreted as pathogenic.

Labcorp Genetics (formerly Invitae), Labcorp
Classification: Pathogenic for Osteogenesis imperfecta type I. Last evaluated: 2022-01-21. Review status: criteria provided, single submitter. Criteria: Invitae Variant Classification Sherloc (09022015). Collection method: clinical testing. Allele origin: germline.
Comment: Advanced modeling of protein sequence and biophysical properties (such as structural, functional, and spatial information, amino acid conservation, physicochemical variation, residue mobility, and thermodynamic stability) performed at Invitae indicates that this missense variant is expected to disrupt COL1A1 protein function. For these reasons, this variant has been classified as Pathogenic. This variant disrupts the p.Gly815 amino acid residue in COL1A1. Other variant(s) that disrupt this residue have been observed in individuals with COL1A1-related conditions (PMID: 17078022), which suggests that this may be a clinically significant amino acid residue. This missense change is located within a functionally conserved triple helix domain of the COL1A1 protein and variants that affect the glycine residue in Gly-Xaa-Yaa repeats of the collagen triple helix are known to disrupt protein folding and stability (PMID: 8218237, 7695699). This missense change has been observed in individual(s) with osteogenesis imperfecta type I (PMID: 17078022). This variant is not present in population databases (gnomAD no frequency). This sequence change replaces glycine, which is neutral and non-polar, with alanine, which is neutral and non-polar, at codon 815 of the COL1A1 protein (p.Gly815Ala).

Literature cited by the submitters: PubMed 17078022 (cited by Labcorp Genetics (formerly Invitae), Labcorp); PubMed 8218237 (cited by Labcorp Genetics (formerly Invitae), Labcorp); PubMed 7695699 (cited by Labcorp Genetics (formerly Invitae), Labcorp).